The following is an entry in ClinVar:

NM_024312.5(GNPTAB):c.3074T>C (p.Leu1025Ser)

Gene: GNPTAB (N-acetylglucosamine-1-phosphate transferase subunits alpha and beta; minus strand). Cytogenetic location: 12q23.2.
Variant type: single nucleotide variant.
Coding change: c.3074T>C on transcript NM_024312.5 (MANE Select); coding-DNA position 3074, T replaced by C.
Protein change: p.Leu1025Ser; replaces leucine 1025 with serine.
Molecular consequence: missense variant.
Genome position (GRCh38, 1-based): chr12:101,761,188, A>G on the plus strand (T>C on the coding strand, the complement: GNPTAB is on the minus strand). VCF-style: chr12-101761188-A-G. GRCh37 (hg19) VCF-style: chr12-102154966-A-G.
Other names: short protein forms L1025S.
Identifiers: ClinVar variation 3339383 (VCV003339383.1).

ClinVar aggregate classification (germline): Uncertain significance (1 of 4 stars; one submission).

Submission:

Women's Health and Genetics/Laboratory Corporation of America, LabCorp
Classification: Uncertain significance. Last evaluated: 2024-07-23. Review status: criteria provided, single submitter. Criteria: LabCorp Variant Classification Summary - May 2015. Collection method: clinical testing. Allele origin: germline.
Comment: Variant summary: GNPTAB c.3074T>C (p.Leu1025Ser) results in a non-conservative amino acid change located in the EF-hand domain (IPR002048) of the encoded protein sequence. Five of five in-silico tools predict a damaging effect of the variant on protein function. The variant was absent in 251380 control chromosomes. The available data on variant occurrences in the general population are insufficient to allow any conclusion about variant significance. c.3074T>C has been reported in the literature in at least one compound heterozygous individual affected with Mucolipidosis Type 3 (e.g. Wang_2019, Lv_2021). These data do not currently provide sufficient evidence to allow any conclusion about variant significance. To our knowledge, no experimental evidence demonstrating an impact on protein function has been reported. The following publications have been ascertained in the context of this evaluation (PMID: 34557487, 29872134). No submitters have cited clinical-significance assessments for this variant to ClinVar. Based on the evidence outlined above, the variant was classified as uncertain significance.

Literature cited by the submitters: PubMed 29872134; PubMed 34557487.